The following is an entry in ClinVar:

ClinVar aggregate classification (germline): Likely pathogenic (1 of 4 stars; one submission).

Conditions:
Cardiovascular phenotype. Identifiers: MedGen CN230736.

Submission:

Ambry Genetics
Classification: Likely pathogenic for Cardiovascular phenotype. Last evaluated: 2026-03-02. Review status: criteria provided, single submitter. Criteria: Ambry Variant Classification Scheme 2023. Collection method: clinical testing. Allele origin: germline.
Comment: The p.E14833* variant (also known as c.44497G>T), located in coding exon 153 of the TTN gene, results from a G to T substitution at nucleotide position 44497. This changes the amino acid from a glutamic acid to a stop codon within coding exon 153. This exon is located in the A-band region of the N2-B isoform of the titin protein and is constitutively expressed in TTN transcripts (percent spliced in or PSI 100%). This variant is considered to be rare based on population cohorts in the Genome Aggregation Database (gnomAD). This variant is expected to result in loss of function by premature protein truncation or nonsense-mediated mRNA decay. While truncating variants in TTN are present in 1-3% of the general population, truncating variants in the A-band are the most common cause of dilated cardiomyopathy (Herman DS et al. N. Engl. J. Med., 2012 Feb;366:619-28; Roberts AM et al. Sci Transl Med, 2015 Jan;7:270ra6). TTN truncating variants encoded in constitutive exons (PSI >90%) have been found to be significantly associated with DCM regardless of their position in titin (Schafer S et al. Nat. Genet., 2017 01;49:46-53; Akhtar MM et al. Circ Heart Fail, 2020 Oct;13:e006832; Massier M et al. Clin Genet, 2025 Jan). Based on the majority of available evidence to date, this variant is likely to be pathogenic.

NM_001267550.2(TTN):c.71692G>T (p.Glu23898Ter)

Genes: TTN-AS1 (TTN antisense RNA 1; plus strand), TTN (titin; minus strand). Cytogenetic location: 2q31.2.
Variant type: single nucleotide variant.
Coding change: c.71692G>T on transcript NM_001267550.2 (MANE Select); coding-DNA position 71692, G replaced by T.
Protein change: p.Glu23898Ter; replaces glutamic acid 23898 with a stop codon.
Molecular consequence: nonsense.
Genome position (GRCh38, 1-based): chr2:178,574,440, C>A on the plus strand (G>T on the coding strand, the complement: TTN is on the minus strand). VCF-style: chr2-178574440-C-A. GRCh37 (hg19) VCF-style: chr2-179439167-C-A.
Other names: c.66769G>T, p.Glu22257Ter (NM_001256850.1); c.44497G>T, p.Glu14833Ter (NM_003319.4); c.63988G>T, p.Glu21330Ter (NM_133378.4); c.44872G>T, p.Glu14958Ter (NM_133432.3); c.45073G>T, p.Glu15025Ter (NM_133437.4); short protein forms E14958*, E15025*, E22257*, E14833*, E21330*, E23898*.
Identifiers: ClinVar variation 4827043 (VCV004827043.1).